The following is an entry in ClinVar:

ClinVar aggregate classification (germline): Conflicting classifications of pathogenicity. Review status: criteria provided, conflicting classifications (1 of 4 stars). 2 submissions from 2 submitters: Uncertain significance (1); Likely benign (1). Last evaluated 2025-08-29.

gnomAD v4.1: 4,360 of 1,613,530 alleles (0.27%); highest among the groups gnomAD compares: Middle Eastern, 0.76%; 18 homozygotes.

Submissions (2):

Ambry Genetics
Classification: Uncertain significance. Last evaluated: 2025-08-29. Review status: criteria provided, single submitter. Criteria: Ambry Variant Classification Scheme 2023. Collection method: clinical testing. Allele origin: germline.

CeGaT Center for Human Genetics Tuebingen
Classification: Likely benign. Last evaluated: 2024-11-01. Review status: criteria provided, single submitter. Criteria: CeGaT Center For Human Genetics Tuebingen Variant Classification Criteria Version 2. Collection method: clinical testing. Allele origin: germline. Affected: yes. Observed: 1 variant allele.
Comment: ZNF808: BP4, BS2

NM_001039886.4(ZNF808):c.1481G>A (p.Arg494His)

Gene: ZNF808 (zinc finger protein 808; plus strand). Cytogenetic location: 19q13.41.
Variant type: single nucleotide variant.
Coding change: c.1481G>A on transcript NM_001039886.4 (MANE Select); coding-DNA position 1481, G replaced by A.
Protein change: p.Arg494His; replaces arginine 494 with histidine.
Molecular consequence: missense variant.
Genome position (GRCh38, 1-based): chr19:52,554,397, G>A. VCF-style: chr19-52554397-G-A. GRCh37 (hg19) VCF-style: chr19-53057650-G-A.
Other names: c.1481G>A (NM_001039886.3); c.1481G>A, p.Arg494His (NM_001321424.2, NM_001321425.2); c.1274G>A, p.Arg425His (NM_001363550.2); short protein forms R425H, R494H.
Identifiers: ClinVar variation 3387906 (VCV003387906.15).